The following is an entry in ClinVar:

ClinVar aggregate classification (germline): Likely benign (1 of 4 stars; one submission).

Conditions:
AIMP1-related disorder. Also called: AIMP1-related condition.

gnomAD v4.1: 22 of 1,596,878 alleles (0.0014%); highest among the groups gnomAD compares: African/African-American, 0.028%; no homozygotes.

Submission:

PreventionGenetics, part of Exact Sciences
Classification: Likely benign for AIMP1-related condition. Last evaluated: 2025-12-04. Review status: criteria provided, single submitter. Criteria: ACMG Guidelines, 2015. Collection method: clinical testing. Allele origin: germline.
Comment: This variant is classified as likely benign based on ACMG/AMP sequence variant interpretation guidelines (Richards et al. 2015 PMID: 25741868, with internal and published modifications).

NM_001142416.2(AIMP1):c.391+8T>G

Gene: AIMP1 (aminoacyl tRNA synthetase complex interacting multifunctional protein 1; plus strand). Cytogenetic location: 4q24.
Variant type: single nucleotide variant.
Coding change: c.391+8T>G on transcript NM_001142416.2 (MANE Select); 8 bases into the intron after coding-DNA position 391, T replaced by G.
Molecular consequence: intron variant.
Genome position (GRCh38, 1-based): chr4:106,328,251, T>G. VCF-style: chr4-106328251-T-G. GRCh37 (hg19) VCF-style: chr4-107249408-T-G.
Other names: c.391+8T>G (NM_001142415.2, NM_004757.4).
Identifiers: ClinVar variation 4978827 (VCV004978827.1).